The following is an entry in ClinVar:

ClinVar aggregate classification (germline): Conflicting classifications of pathogenicity. Review status: criteria provided, conflicting classifications (1 of 4 stars). 4 submissions from 3 submitters: Uncertain significance (3); Likely benign (1). Last evaluated 2024-10-08.

Conditions:
Cone-rod dystrophy 11 (CORD11). Identifiers: Orphanet 1872, MedGen C1835865, MONDO:0012483, OMIM 610381.
Age related macular degeneration 6. Identifiers: MedGen C3151060, MONDO:0013406, OMIM 613757.

Allele frequency attached by ClinVar (database versions not stated): TOPMed 0.00007; ESP Exome Variant Server 0.00008.

Submissions (4):

Labcorp Genetics (formerly Invitae), Labcorp
Classification: Uncertain significance. Last evaluated: 2024-10-08. Review status: criteria provided, single submitter. Criteria: Invitae Variant Classification Sherloc (09022015). Collection method: clinical testing. Allele origin: germline.
Comment: This sequence change replaces lysine, which is basic and polar, with glutamine, which is neutral and polar, at codon 26 of the RAX2 protein (p.Lys26Gln). This variant is present in population databases (rs370364475, gnomAD 0.02%). This variant has not been reported in the literature in individuals affected with RAX2-related conditions. ClinVar contains an entry for this variant (Variation ID: 328971). An algorithm developed to predict the effect of missense changes on protein structure and function outputs the following: PolyPhen-2: "Benign". The glutamine amino acid residue is found in multiple mammalian species, which suggests that this missense change does not adversely affect protein function. In summary, the available evidence is currently insufficient to determine the role of this variant in disease. Therefore, it has been classified as a Variant of Uncertain Significance.

Blueprint Genetics
Classification: Uncertain significance. Last evaluated: 2024-09-02. Review status: criteria provided, single submitter. Criteria: ACMG Guidelines, 2015. Collection method: clinical testing. Allele origin: germline.

Illumina Laboratory Services, Illumina
Classification: Likely benign for Cone-rod dystrophy 11. Last evaluated: 2018-01-12. Review status: criteria provided, single submitter. Criteria: ICSL Variant Classification Criteria 13 December 2019. Collection method: clinical testing. Allele origin: germline.
Comment: This variant was observed in the ICSL laboratory as part of a predisposition screen in an ostensibly healthy population. It had not been previously curated by ICSL or reported in the Human Gene Mutation Database (HGMD: prior to June 1st, 2018), and was therefore a candidate for classification through an automated scoring system. Utilizing variant allele frequency, disease prevalence and penetrance estimates, and inheritance mode, an automated score was calculated to assess if this variant is too frequent to cause the disease. Based on the score and internal cut-off values, a variant classified as likely benign is not then subjected to further curation. The score for this variant resulted in a classification of likely benign for this disease.

Illumina Laboratory Services, Illumina
Classification: Uncertain significance for Age related macular degeneration 6. Last evaluated: 2018-01-12. Review status: criteria provided, single submitter. Criteria: ICSL Variant Classification Criteria 13 December 2019. Collection method: clinical testing. Allele origin: germline.

NM_001319074.4(RAX2):c.76A>C (p.Lys26Gln)

Gene: RAX2 (retina and anterior neural fold homeobox 2; minus strand). Cytogenetic location: 19p13.3.
Variant type: single nucleotide variant.
Coding change: c.76A>C on transcript NM_001319074.4 (MANE Select); coding-DNA position 76, A replaced by C.
Protein change: p.Lys26Gln; replaces lysine 26 with glutamine.
Molecular consequence: missense variant.
Genome position (GRCh38, 1-based): chr19:3,771,667, T>G on the plus strand (A>C on the coding strand, the complement: RAX2 is on the minus strand). VCF-style: chr19-3771667-T-G. GRCh37 (hg19) VCF-style: chr19-3771665-T-G.
Other names: c.76A>C, p.Lys26Gln (NM_032753.4); short protein forms K26Q.
Identifiers: ClinVar variation 328971 (VCV000328971.15), dbSNP rs370364475, ClinGen allele CA9085126.